The following is an entry in ClinVar:

NM_017654.4(SAMD9):c.4025A>C (p.Asp1342Ala)

Gene: SAMD9 (sterile alpha motif domain containing 9; minus strand). Cytogenetic location: 7q21.2.
Variant type: single nucleotide variant.
Coding change: c.4025A>C on transcript NM_017654.4 (MANE Select); coding-DNA position 4025, A replaced by C.
Protein change: p.Asp1342Ala; replaces aspartic acid 1342 with alanine.
Molecular consequence: missense variant.
Genome position (GRCh38, 1-based): chr7:93,102,073, T>G on the plus strand (A>C on the coding strand, the complement: SAMD9 is on the minus strand). VCF-style: chr7-93102073-T-G. GRCh37 (hg19) VCF-style: chr7-92731386-T-G.
Other names: c.4025A>C, p.Asp1342Ala (NM_001193307.2); short protein forms D1342A.
Identifiers: ClinVar variation 4863893 (VCV004863893.2).

ClinVar aggregate classification (germline): Uncertain significance. Review status: criteria provided, multiple submitters, no conflicts (2 of 4 stars). 2 submissions from 2 submitters: Uncertain significance (2). Last evaluated 2026-06-10.

Conditions:
Inborn genetic diseases. Identifiers: MedGen C0950123, MeSH D030342.

Submissions (2):

Ambry Genetics
Classification: Uncertain significance for Inborn genetic diseases. Last evaluated: 2026-06-10. Review status: criteria provided, single submitter. Criteria: Ambry Variant Classification Scheme 2023. Collection method: clinical testing. Allele origin: germline.
Comment: The p.D1342A variant (also known as c.4025A>C), located in coding exon 1 of the SAMD9 gene, results from an A to C substitution at nucleotide position 4025. The aspartic acid at codon 1342 is replaced by alanine, an amino acid with dissimilar properties. This amino acid position is conserved. In addition, this alteration is predicted to be tolerated by in silico analysis. Based on the available evidence, the clinical significance of this variant remains unclear.

Women's Health and Genetics/Laboratory Corporation of America, LabCorp
Classification: Uncertain significance. Last evaluated: 2026-06-03. Review status: criteria provided, single submitter. Criteria: LabCorp Variant Classification Summary - May 2015. Collection method: clinical testing. Allele origin: germline.
Comment: Variant summary: SAMD9 c.4025A>C (p.Asp1342Ala) results in a non-conservative amino acid change in the encoded protein sequence. Algorithms developed to predict the effect of missense changes on protein structure and function are either unavailable or do not agree on the potential impact of this missense change. The variant was absent in 249862 control chromosomes. The available data on variant occurrences in the general population are insufficient to allow any conclusion about variant significance. To our knowledge, no occurrence of c.4025A>C in individuals affected with SAMD9-related conditions and no experimental evidence demonstrating its impact on protein function have been reported. No submitters have cited clinical-significance assessments for this variant to ClinVar. Based on the evidence outlined above, the variant was classified as uncertain significance.